The following is an entry in ClinVar:

NM_001369.3(DNAH5):c.6763C>T (p.Arg2255Ter)

Gene: DNAH5 (dynein axonemal heavy chain 5; minus strand). Cytogenetic location: 5p15.2.
Variant type: single nucleotide variant.
Coding change: c.6763C>T on transcript NM_001369.3 (MANE Select); coding-DNA position 6763, C replaced by T.
Protein change: p.Arg2255Ter; replaces arginine 2255 with a stop codon.
Molecular consequence: nonsense.
Genome position (GRCh38, 1-based): chr5:13,820,424, G>A on the plus strand (C>T on the coding strand, the complement: DNAH5 is on the minus strand). VCF-style: chr5-13820424-G-A. GRCh37 (hg19) VCF-style: chr5-13820533-G-A.
Other names: short protein forms R2255*.
Identifiers: ClinVar variation 454795 (VCV000454795.31), dbSNP rs745918507, ClinGen allele CA3203285.

ClinVar aggregate classification (germline): Pathogenic/Likely pathogenic. Review status: criteria provided, multiple submitters, no conflicts (2 of 4 stars). 14 submissions from 14 submitters: Pathogenic (10); Likely pathogenic (2). 2 of the submissions do not count toward it. Last evaluated 2025-09-24.

Conditions:
DNAH5-related disorders.
Infertility disorder. Also called: Infertility. Identifiers: MedGen C0021359, MeSH D007246, MONDO:0005047, HP:0000789.
Primary ciliary dyskinesia. Also called: Ciliary dyskinesia. Identifiers: Orphanet 244, MedGen C0008780, MONDO:0016575, HP:0012265.
Primary ciliary dyskinesia 3. Identifiers: Orphanet 244, MedGen C1837618, MONDO:0012085, OMIM 608644.

Allele frequency attached by ClinVar (database versions not stated): gnomAD exomes 0.00001 and 0.00002; ExAC 0.00002; gnomAD 0.00002 and 0.00003; TOPMed 0.00003.
gnomAD v4.1: 33 of 1,613,686 alleles (0.002%); highest among the groups gnomAD compares: African/African-American, 0.004%; no homozygotes.

Submissions (14):

Labcorp Genetics (formerly Invitae), Labcorp
Classification: Pathogenic for Primary ciliary dyskinesia. Last evaluated: 2025-09-24. Review status: criteria provided, single submitter. Criteria: Invitae Variant Classification Sherloc (09022015). Collection method: clinical testing. Allele origin: germline.
Comment: This sequence change creates a premature translational stop signal (p.Arg2255*) in the DNAH5 gene. It is expected to result in an absent or disrupted protein product. Loss-of-function variants in DNAH5 are known to be pathogenic (PMID: 11788826, 16627867). This variant is present in population databases (rs745918507, gnomAD 0.008%). This premature translational stop signal has been observed in individual(s) with primary ciliary dyskinesia (PMID: 27637300). ClinVar contains an entry for this variant (Variation ID: 454795). For these reasons, this variant has been classified as Pathogenic.

Natera, Inc.
Classification: Pathogenic for Primary ciliary dyskinesia. Last evaluated: 2025-07-25. Review status: criteria provided, single submitter. Criteria: Natera Variant Classification Schema (03/2026). Collection method: clinical testing. Allele origin: germline.
Comment: The c.6763C>T variant in DNAH5 is a nonsense variant predicted to introduce a stop codon at amino acid 2255. This variant is expected to result in nonsense mediated decay, truncation, or a dysfunctional protein product. This variant is rare in the general population with a frequency below the threshold expected for the associated phenotype(s). This variant has been observed in one or more individuals affected with the associated recessive disease, as either homozygous or compound heterozygous with a second variant (PMID: 30293990, 31879361, 37215141). Given the available evidence, this variant is classified as Pathogenic.

Genomic Medicine Center of Excellence, King Faisal Specialist Hospital and Research Centre
Classification: Pathogenic for Primary ciliary dyskinesia 3. Last evaluated: 2024-12-18. Review status: criteria provided, single submitter. Criteria: ACMG Guidelines, 2015. Collection method: clinical testing. Allele origin: germline.

Fulgent Genetics
Classification: Likely pathogenic for Primary ciliary dyskinesia 3. Last evaluated: 2024-06-21. Review status: criteria provided, single submitter. Criteria: ACMG Guidelines, 2015. Collection method: clinical testing. Allele origin: germline.

Blueprint Genetics
Classification: Pathogenic for DNAH5-related disorders. Last evaluated: 2024-03-05. Review status: criteria provided, single submitter. Criteria: ACMG Guidelines, 2015. Collection method: clinical testing. Allele origin: germline. Affected: yes. Observed: 2 variant alleles.

Institute Of Molecular Biology And Genetics, Federal Almazov National Medical Research Centre
Classification: Pathogenic for Primary ciliary dyskinesia. Last evaluated: 2023-12-11. Review status: criteria provided, single submitter. Criteria: ACMG Guidelines, 2015. Collection method: clinical testing. Allele origin: maternal. Affected: yes. Observed: 1 variant allele.
Comment: ACMG: PVS1, PM2, PM3, PP5

Department of Human Genetics, Hannover Medical School
Classification: Pathogenic for Primary ciliary dyskinesia 3. Last evaluated: 2022-10-06. Review status: criteria provided, single submitter. Criteria: ACMG Guidelines, 2015. Collection method: clinical testing. Allele origin: germline. Inheritance: Autosomal recessive inheritance. Affected: yes.

Clinical Genetics Laboratory, Skane University Hospital Lund
Classification: Pathogenic. Last evaluated: 2022-07-13. Review status: criteria provided, single submitter. Criteria: ACMG Guidelines, 2015. Collection method: clinical testing. Allele origin: germline. Affected: yes.

Laboratorio de Genetica e Diagnostico Molecular, Hospital Israelita Albert Einstein
Classification: Pathogenic for Primary ciliary dyskinesia 3. Last evaluated: 2022-07-08. Review status: criteria provided, single submitter. Criteria: ACMG Guidelines, 2015. Collection method: clinical testing. Allele origin: germline. Affected: yes. Observed: 1 variant allele.
Comment: ACMG classification criteria: PVS1 very strong, PS4 supporting, PM2 moderated, PM3 moderated

Revvity Omics, Revvity
Classification: Pathogenic for Primary ciliary dyskinesia 3. Last evaluated: 2022-06-20. Review status: criteria provided, single submitter. Criteria: ACMG Guidelines, 2015. Collection method: clinical testing. Allele origin: germline.

AiLife Diagnostics
Classification: Pathogenic. Last evaluated: 2022-03-30. Review status: criteria provided, single submitter. Criteria: ACMG Guidelines, 2015. Collection method: clinical testing. Allele origin: germline. Affected: yes. Observed: 1 variant allele.

UNC Molecular Genetics  Laboratory, University of North Carolina at Chapel Hill
Classification: Likely pathogenic for Primary ciliary dyskinesia. Last evaluated: 2017-05-05. Review status: criteria provided, single submitter. Criteria: ACMG Guidelines, 2015. Collection method: clinical testing. Allele origin: germline. Affected: yes. Observed: 1 compound heterozygote.

Counsyl
Classification: Likely pathogenic for Primary ciliary dyskinesia 3. Last evaluated: 2017-10-27. Review status: no assertion criteria provided. Collection method: clinical testing. Allele origin: unknown. Not counted in ClinVar's aggregate classification.

MAGI's Lab - Research, MAGI Group
Classification: Pathogenic for Infertility disorder. Review status: no assertion criteria provided. Collection method: provider interpretation. Allele origin: germline. Affected: yes. Not counted in ClinVar's aggregate classification.

Literature cited by the submitters: PubMed 11788826 (cited by Labcorp Genetics (formerly Invitae), Labcorp); PubMed 16627867 (cited by Labcorp Genetics (formerly Invitae), Labcorp); PubMed 27637300 (cited by 5 submitters); PubMed 30293990 (cited by 3 submitters); PubMed 31879361 (cited by 3 submitters); PubMed 37215141 (cited by Natera, Inc.); PubMed 31589614 (cited by AiLife Diagnostics).